The following is an entry in ClinVar:

NM_005994.4(TBX2):c.1646C>G (p.Pro549Arg)

Gene: TBX2 (T-box transcription factor 2; plus strand). Cytogenetic location: 17q23.2.
Variant type: single nucleotide variant.
Coding change: c.1646C>G on transcript NM_005994.4 (MANE Select); coding-DNA position 1646, C replaced by G.
Protein change: p.Pro549Arg; replaces proline 549 with arginine.
Molecular consequence: missense variant.
Genome position (GRCh38, 1-based): chr17:61,405,796, C>G. VCF-style: chr17-61405796-C-G. GRCh37 (hg19) VCF-style: chr17-59483157-C-G.
Other names: short protein forms P549R.
Identifiers: ClinVar variation 3778408 (VCV003778408.7).

ClinVar aggregate classification (germline): Uncertain significance (1 of 4 stars; one submission).

Submission:

CeGaT Center for Human Genetics Tuebingen
Classification: Uncertain significance. Last evaluated: 2025-03-01. Review status: criteria provided, single submitter. Criteria: CeGaT Center For Human Genetics Tuebingen Variant Classification Criteria Version 2. Collection method: clinical testing. Allele origin: germline. Affected: yes. Observed: 1 variant allele.
Comment: TBX2: PM2, PP2